The following is an entry in ClinVar:

NM_001130144.3(LTBP3):c.3376_3377del (p.Ser1126fs)

Genes: LTBP3 (latent transforming growth factor beta binding protein 3; minus strand), LOC130006027 (ATAC-STARR-seq lymphoblastoid silent region 3530; plus strand). Cytogenetic location: 11q13.1.
Variant type: Microsatellite.
Coding change: c.3376_3377del on transcript NM_001130144.3 (MANE Select); coding-DNA positions 3376 to 3377, 2 bases deleted (AG; older notation c.3376_3377delAG).
Protein change: p.Ser1126fs; shifts the reading frame from serine 1126.
Molecular consequence: frameshift variant. On other transcripts: intron variant (2).
Genome position (GRCh38, 1-based): chr11:65,540,021-65,540,022, CT deleted on the plus strand (AG on the coding strand, the reverse complement: LTBP3 is on the minus strand); deleting any 2 consecutive bases within chr11:65,540,021-65,540,025 gives the same sequence; the c. name uses the placement nearest the transcript's 3' end. VCF-style (leftmost placement, unchanged base first): chr11-65540020-GCT-G. GRCh37 (hg19) VCF-style: chr11-65307491-GCT-G.
Other names: c.2894-141_2894-140del (NM_001164266.1); c.3245-141_3245-140del (NM_021070.4); short protein forms S1126fs.
Identifiers: ClinVar variation 3018063 (VCV003018063.3), dbSNP rs2496118747, ClinGen allele CA2574875706.
Genomic context (GRCh38, chr11:65,540,020, plus strand): 5'-GCCACGTGACGGACAGGGCCCCGGGATCGGCCAAGGCCAACCCTCGCCCTCACCGGCCGG[GCT>G]CTCGGGGAGCTGGCAATCGCGGCCGGAGGGCCCGGGCACCCAGGGCGGGCGACACTCGCA-3'

ClinVar aggregate classification (germline): Pathogenic (1 of 4 stars; one submission).

Conditions:
Brachyolmia-amelogenesis imperfecta syndrome. Also called: Tooth agenesis, selective, 6; Dental anomalies and short stature; PLATYSPONDYLY WITH AMELOGENESIS IMPERFECTA. Identifiers: Orphanet 2899, MedGen C1832594, MONDO:0011018, OMIM 601216. Disease mechanism: loss of function.

Submission:

Labcorp Genetics (formerly Invitae), Labcorp
Classification: Pathogenic for Brachyolmia-amelogenesis imperfecta syndrome. Last evaluated: 2023-08-23. Review status: criteria provided, single submitter. Criteria: Invitae Variant Classification Sherloc (09022015). Collection method: clinical testing. Allele origin: germline.
Comment: This variant has not been reported in the literature in individuals affected with LTBP3-related conditions. This variant is not present in population databases (gnomAD no frequency). This sequence change creates a premature translational stop signal (p.Ser1126Profs*85) in the LTBP3 gene. It is expected to result in an absent or disrupted protein product. Loss-of-function variants in LTBP3 are known to be pathogenic (PMID: 11790802, 19344874, 25669657). For these reasons, this variant has been classified as Pathogenic.

Literature cited by the submitters: PubMed 11790802; PubMed 19344874; PubMed 25669657.